The following is an entry in ClinVar:

ClinVar aggregate classification (germline): Likely pathogenic (1 of 4 stars; one submission).

Conditions:
Hereditary cancer-predisposing syndrome. Also called: Neoplastic Syndromes, Hereditary; Tumor predisposition; Hereditary Cancer Syndrome; Hereditary neoplastic syndrome. Identifiers: Orphanet 140162, MedGen C0027672, MeSH D009386, MONDO:0015356.

Submission:

Ambry Genetics
Classification: Likely pathogenic for Hereditary cancer-predisposing syndrome. Last evaluated: 2025-12-12. Review status: criteria provided, single submitter. Criteria: Ambry Variant Classification Scheme 2023. Collection method: clinical testing. Allele origin: germline.
Comment: The p.V118E variant (also known as c.353T>A), located in coding exon 1 of the MEN1 gene, results from a T to A substitution at nucleotide position 353. The valine at codon 118 is replaced by glutamic acid, an amino acid with dissimilar properties. This variant was reported in individual(s) with features consistent with multiple endocrine neoplasia type 1 (Ambry internal data). This amino acid position is highly conserved in available vertebrate species. In addition, this alteration is predicted to be deleterious by in silico analysis. This variant is considered to be rare based on population cohorts in the Genome Aggregation Database (gnomAD). Based on the majority of available evidence to date, this variant is likely to be pathogenic.

NM_001370259.2(MEN1):c.353T>A (p.Val118Glu)

Gene: MEN1 (menin 1; minus strand). Cytogenetic location: 11q13.1.
Variant type: single nucleotide variant.
Coding change: c.353T>A on transcript NM_001370259.2 (MANE Select); coding-DNA position 353, T replaced by A.
Protein change: p.Val118Glu; replaces valine 118 with glutamic acid.
Molecular consequence: missense variant. On other transcripts: non-coding transcript variant (4).
Genome position (GRCh38, 1-based): chr11:64,809,757, A>T on the plus strand (T>A on the coding strand, the complement: MEN1 is on the minus strand). VCF-style: chr11-64809757-A-T. GRCh37 (hg19) VCF-style: chr11-64577229-A-T.
Other names: c.353T>A, p.Val118Glu (NM_000244.4, NM_001370251.2, NM_001370260.2 and 20 more transcripts); short protein forms V118E.
Identifiers: ClinVar variation 4646524 (VCV004646524.1).